The following is an entry in ClinVar:

NM_138701.4(MPLKIP):c.224G>A (p.Gly75Glu)

Gene: MPLKIP (M-phase specific PLK1 interacting protein; minus strand). Cytogenetic location: 7p14.1.
Variant type: single nucleotide variant.
Coding change: c.224G>A on transcript NM_138701.4 (MANE Select); coding-DNA position 224, G replaced by A.
Protein change: p.Gly75Glu; replaces glycine 75 with glutamic acid.
Molecular consequence: missense variant.
Genome position (GRCh38, 1-based): chr7:40,134,344, C>T on the plus strand (G>A on the coding strand, the complement: MPLKIP is on the minus strand). VCF-style: chr7-40134344-C-T. GRCh37 (hg19) VCF-style: chr7-40173943-C-T.
Other names: short protein forms G75E.
Identifiers: ClinVar variation 2121469 (VCV002121469.4), dbSNP rs1188761503, ClinGen allele CA367308158.

ClinVar aggregate classification (germline): Uncertain significance (1 of 4 stars; one submission).

gnomAD v4.1: 1 of 1,553,036 alleles (0.000064%); highest among the groups gnomAD compares: Non-Finnish European, 0.000087%; no homozygotes.

Submission:

Labcorp Genetics (formerly Invitae), Labcorp
Classification: Uncertain significance. Last evaluated: 2024-10-15. Review status: criteria provided, single submitter. Criteria: Invitae Variant Classification Sherloc (09022015). Collection method: clinical testing. Allele origin: germline.
Comment: This sequence change replaces glycine, which is neutral and non-polar, with glutamic acid, which is acidic and polar, at codon 75 of the MPLKIP protein (p.Gly75Glu). This variant is not present in population databases (gnomAD no frequency). This variant has not been reported in the literature in individuals affected with MPLKIP-related conditions. ClinVar contains an entry for this variant (Variation ID: 2121469). An algorithm developed to predict the effect of missense changes on protein structure and function (PolyPhen-2) suggests that this variant is likely to be disruptive. In summary, the available evidence is currently insufficient to determine the role of this variant in disease. Therefore, it has been classified as a Variant of Uncertain Significance.